The following is an entry in ClinVar:

NM_022124.6(CDH23):c.2290-13del

Gene: CDH23 (cadherin related 23; plus strand). Cytogenetic location: 10q22.1.
Variant type: Deletion.
Coding change: c.2290-13del on transcript NM_022124.6 (MANE Select); 13 bases into the intron before coding-DNA position 2290, one base deleted (T; older notation c.2290-13delT).
Molecular consequence: intron variant.
Genome position (GRCh38, 1-based): chr10:71,695,405, T deleted; the last of 2 consecutive T bases (chr10:71,695,404-71,695,405); deleting either gives the same sequence. VCF-style (leftmost placement, unchanged base first): chr10-71695403-CT-C. GRCh37 (hg19) VCF-style: chr10-73455160-CT-C.
Other names: c.2290-13del (NM_001171930.2, NM_001171931.2).
Identifiers: ClinVar variation 45892 (VCV000045892.20), dbSNP rs397517316, ClinGen allele CA137319.

ClinVar aggregate classification (germline): Benign/Likely benign. Review status: criteria provided, multiple submitters, no conflicts (2 of 4 stars). 4 submissions from 4 submitters: Benign (3); Likely benign (1). Last evaluated 2026-02-01.

Submissions (4):

Labcorp Genetics (formerly Invitae), Labcorp
Classification: Benign. Last evaluated: 2026-02-01. Review status: criteria provided, single submitter. Criteria: Invitae Variant Classification Sherloc (09022015). Collection method: clinical testing. Allele origin: germline.

Blueprint Genetics
Classification: Likely benign. Last evaluated: 2024-10-04. Review status: criteria provided, single submitter. Criteria: ACMG Guidelines, 2015. Collection method: clinical testing. Allele origin: germline.

GeneDx
Classification: Benign. Last evaluated: 2019-06-24. Review status: criteria provided, single submitter. Criteria: GeneDx Variant Classification Process June 2021. Collection method: clinical testing. Allele origin: germline. Affected: yes.

Laboratory for Molecular Medicine, Mass General Brigham Personalized Medicine
Classification: Benign. Last evaluated: 2014-10-02. Review status: criteria provided, single submitter. Criteria: LMM Criteria. Collection method: clinical testing. Allele origin: germline. Observed: 7 variant alleles.
Comment: 2290-13delT in intron 21 of CDH23: This variant is not expected to have clinical significance because it has been identified in 2.32% (90/3876) of African Ameri can chromosomes by the NHLBI Exome Sequencing Project and 2.5% (9/490) of Africa n and African American (ASW, LWK, YRI) chromosomes by the 1000 Genomes Project (dbSNP 202233569). In addition, a deletion of a T nucleotide at this position does not diverge from the splice consensus sequ ence and is therefore unlikely to impact splicing.